The following is an entry in ClinVar:

NM_000443.4(ABCB4):c.833G>T (p.Arg278Met)

Gene: ABCB4 (ATP binding cassette subfamily B member 4; minus strand). Cytogenetic location: 7q21.12.
Variant type: single nucleotide variant.
Coding change: c.833G>T on transcript NM_000443.4 (MANE Select); coding-DNA position 833, G replaced by T.
Protein change: p.Arg278Met; replaces arginine 278 with methionine.
Molecular consequence: missense variant.
Genome position (GRCh38, 1-based): chr7:87,449,968, C>A on the plus strand (G>T on the coding strand, the complement: ABCB4 is on the minus strand). VCF-style: chr7-87449968-C-A. GRCh37 (hg19) VCF-style: chr7-87079284-C-A.
Other names: c.833G>T, p.Arg278Met (NM_018849.3, NM_018850.3); short protein forms R278M.
Identifiers: ClinVar variation 4846602 (VCV004846602.1).

ClinVar aggregate classification (germline): Uncertain significance (1 of 4 stars; one submission).

Conditions:
Familial intrahepatic cholestasis. Identifiers: Orphanet 284385, MedGen CN296401, MONDO:0017290.

Submission:

Genomenon, Inc
Classification: Uncertain significance for Familial intrahepatic cholestasis. Last evaluated: 2026-04-14. Review status: criteria provided, single submitter. Criteria: Genomenon Sequence Variant Interpretation Standards - Updated. Collection method: curation. Allele origin: germline. Affected: yes.
Comment: ABCB4 p.Arg278Met (c.833G>T) is a missense variant that changes the amino acid at residue 278 from Arginine to Methionine. This variant has been observed in at least one proband with an ABCB4-related disorder (PMID:28988337). It is absent or not present at a significant frequency in gnomAD. In silico models predict that this variant is possibly or probably damaging. In conclusion, we classify ABCB4 p.Arg278Met (c.833G>T) as a variant of uncertain significance.

Literature cited by the submitters: PubMed 28988337.